The following is an entry in ClinVar:

ClinVar aggregate classification (germline): Conflicting classifications of pathogenicity. Review status: criteria provided, conflicting classifications (1 of 4 stars). 5 submissions from 5 submitters: Likely pathogenic (1); Uncertain significance (3). 1 of the submissions does not count toward it. Last evaluated 2024-08-09.

Conditions:
Lysosomal acid lipase deficiency. Also called: Acid cholesteryl ester hydrolase deficiency, type 2. Identifiers: Orphanet 275761, MedGen C5574740, MONDO:0800449, MONDO:0010204.
Wolman disease (WOLD). Also called: Acid cholesteryl ester hydrolase deficiency, Wolman type; Acid lipase disease; Wolman disease with hypolipoproteinemia and acanthocytosis; LYSOSOMAL ACID LIPASE DEFICIENCY, ACUTE INFANTILE; LYSOSOMAL ACID LIPASE DEFICIENCY, COMPLETE; LIPA DEFICIENCY, COMPLETE. Identifiers: Orphanet 75233, MedGen C0043208, MONDO:0019148, OMIM 620151.

Allele frequency attached by ClinVar (database versions not stated): gnomAD 0.00005; ESP Exome Variant Server 0.00008; TOPMed 0.00003.

Submissions (5):

Women's Health and Genetics/Laboratory Corporation of America, LabCorp
Classification: Likely pathogenic for Wolman disease. Last evaluated: 2024-08-09. Review status: criteria provided, single submitter. Criteria: LabCorp Variant Classification Summary - May 2015. Collection method: clinical testing. Allele origin: germline.
Comment: Variant summary: LIPA c.379C>T (p.Arg127Trp) results in a non-conservative amino acid change located in the Alpha/beta hydrolase fold-1 domain (IPR000073) of the encoded protein sequence. Five of five in-silico tools predict a damaging effect of the variant on protein function. The variant allele was found at a frequency of 4.8e-05 in 251444 control chromosomes. This frequency is not significantly higher than estimated for a pathogenic variant in LIPA causing Lysosomal Acid Lipase Deficiency (4.8e-05 vs 0.0027), allowing no conclusion about variant significance. c.379C>T has been reported in the literature as a heterozygous genotype in at least one individual affected with Hypercholesterolemia (Vinje_2018). This report does not provide unequivocal conclusions about association of the variant with Lysosomal Acid Lipase Deficiency. Two publications reports experimental evidence evaluating an impact on enzymatic activity (Vinje_2018 and DelAngel_2019). The most pronounced variant effect results in <10% of normal Lysosomal acidic lipase activity. The following publications have been ascertained in the context of this evaluation (PMID: 29196158, 31131398, 31180157). ClinVar contains an entry for this variant (Variation ID: 528226). Based on the evidence outlined above, the variant was classified as likely pathogenic.

Labcorp Genetics (formerly Invitae), Labcorp
Classification: Uncertain significance for Wolman disease. Last evaluated: 2023-12-11. Review status: criteria provided, single submitter. Criteria: Invitae Variant Classification Sherloc (09022015). Collection method: clinical testing. Allele origin: germline.
Comment: This sequence change replaces arginine, which is basic and polar, with tryptophan, which is neutral and slightly polar, at codon 127 of the LIPA protein (p.Arg127Trp). This variant is present in population databases (rs140686447, gnomAD 0.01%). This variant has not been reported in the literature in individuals affected with LIPA-related conditions. ClinVar contains an entry for this variant (Variation ID: 528226). Advanced modeling of protein sequence and biophysical properties (such as structural, functional, and spatial information, amino acid conservation, physicochemical variation, residue mobility, and thermodynamic stability) performed at Invitae indicates that this missense variant is expected to disrupt LIPA protein function with a positive predictive value of 80%. Experimental studies have shown that this missense change affects LIPA function (PMID: 29196158, 31180157). In summary, the available evidence is currently insufficient to determine the role of this variant in disease. Therefore, it has been classified as a Variant of Uncertain Significance.

Fulgent Genetics
Classification: Uncertain significance for Cholesteryl ester storage disease. Last evaluated: 2022-03-08. Review status: criteria provided, single submitter. Criteria: ACMG Guidelines, 2015. Collection method: clinical testing. Allele origin: unknown.

New York Genome Center
Classification: Uncertain significance for Cholesteryl ester storage disease. Last evaluated: 2022-02-11. Review status: criteria provided, single submitter. Criteria: NYGC Assertion Criteria 2020. Collection method: clinical testing. Allele origin: germline. Observed: 1 heterozygote.

Natera, Inc.
Classification: Uncertain significance for Lysosomal acid lipase deficiency. Last evaluated: 2020-09-16. Review status: no assertion criteria provided. Collection method: clinical testing. Allele origin: germline. Not counted in ClinVar's aggregate classification.

Literature cited by the submitters: PubMed 29196158 (cited by Women's Health and Genetics/Laboratory Corporation of America, LabCorp and Labcorp Genetics (formerly Invitae), Labcorp); PubMed 31131398 (cited by Women's Health and Genetics/Laboratory Corporation of America, LabCorp); PubMed 31180157 (cited by Women's Health and Genetics/Laboratory Corporation of America, LabCorp and Labcorp Genetics (formerly Invitae), Labcorp).

NM_000235.4(LIPA):c.379C>T (p.Arg127Trp)

Gene: LIPA (lipase A, lysosomal acid type; minus strand). Cytogenetic location: 10q23.31.
Variant type: single nucleotide variant.
Coding change: c.379C>T on transcript NM_000235.4 (MANE Select); coding-DNA position 379, C replaced by T.
Protein change: p.Arg127Trp; replaces arginine 127 with tryptophan.
Molecular consequence: missense variant.
Genome position (GRCh38, 1-based): chr10:89,228,249, G>A on the plus strand (C>T on the coding strand, the complement: LIPA is on the minus strand). VCF-style: chr10-89228249-G-A. GRCh37 (hg19) VCF-style: chr10-90988006-G-A.
Other names: c.379C>T, p.Arg127Trp (NM_001127605.3); c.31C>T, p.Arg11Trp (NM_001288979.2); short protein forms R127W, R11W.
Identifiers: ClinVar variation 528226 (VCV000528226.10), dbSNP rs140686447, ClinGen allele CA5593752.